The following is an entry in ClinVar:

NM_000159.4(GCDH):c.215G>A (p.Arg72His)

Genes: GCDH (glutaryl-CoA dehydrogenase; plus strand), LOC117125594 (CRISPRi-FlowFISH-validated KLF1 regulatory element; plus strand). Cytogenetic location: 19p13.13.
Variant type: single nucleotide variant.
Coding change: c.215G>A on transcript NM_000159.4 (MANE Select); coding-DNA position 215, G replaced by A.
Protein change: p.Arg72His; replaces arginine 72 with histidine.
Molecular consequence: missense variant. On other transcripts: non-coding transcript variant (2).
Genome position (GRCh38, 1-based): chr19:12,891,918, G>A. VCF-style: chr19-12891918-G-A. GRCh37 (hg19) VCF-style: chr19-13002732-G-A.
Other names: c.215G>A, p.Arg72His (NM_013976.5); short protein forms R72H.
Identifiers: ClinVar variation 1473158 (VCV001473158.4), dbSNP rs759076157, ClinGen allele CA9234276.

ClinVar aggregate classification (germline): Uncertain significance. Review status: criteria provided, multiple submitters, no conflicts (2 of 4 stars). 2 submissions from 2 submitters: Uncertain significance (2). Last evaluated 2025-07-08.

Conditions:
Glutaric aciduria, type 1. Also called: GA I; Glutaricaciduria, type I; Glutaric acidemia type I; Glutaricacidemia Type 1; Glutaric Acidemia Type 1; Glutaryl-CoA dehydrogenase deficiency. Identifiers: Orphanet 25, MedGen C0268595, MONDO:0009281, OMIM 231670.

Allele frequency attached by ClinVar (database versions not stated): gnomAD exomes below 0.00001; ExAC 0.00001.
gnomAD v4.1: 6 of 1,614,174 alleles (0.00037%); highest among the groups gnomAD compares: South Asian, 0.0022%; no homozygotes.

Submissions (2):

Women's Health and Genetics/Laboratory Corporation of America, LabCorp
Classification: Uncertain significance. Last evaluated: 2025-07-08. Review status: criteria provided, single submitter. Criteria: LabCorp Variant Classification Summary - May 2015. Collection method: clinical testing. Allele origin: germline.
Comment: Variant summary: GCDH c.215G>A (p.Arg72His) results in a non-conservative amino acid change in the encoded protein sequence. Algorithms developed to predict the effect of missense changes on protein structure and function all suggest that this variant is likely to be disruptive. The variant allele was found at a frequency of 4e-06 in 251388 control chromosomes. The available data on variant occurrences in the general population are insufficient to allow any conclusion about variant significance. To our knowledge, no occurrence of c.215G>A in individuals affected with Glutaric Acidemia Type 1 and no experimental evidence demonstrating its impact on protein function have been reported. ClinVar contains an entry for this variant (Variation ID: 1473158). Based on the evidence outlined above, the variant was classified as uncertain significance.

Labcorp Genetics (formerly Invitae), Labcorp
Classification: Uncertain significance for Glutaric aciduria, type 1. Last evaluated: 2021-10-12. Review status: criteria provided, single submitter. Criteria: Invitae Variant Classification Sherloc (09022015). Collection method: clinical testing. Allele origin: germline.
Comment: This sequence change replaces arginine with histidine at codon 72 of the GCDH protein (p.Arg72His). The arginine residue is highly conserved and there is a small physicochemical difference between arginine and histidine. This variant is present in population databases (rs759076157, ExAC 0.006%). This variant has not been reported in the literature in individuals affected with GCDH-related conditions. Advanced modeling of protein sequence and biophysical properties (such as structural, functional, and spatial information, amino acid conservation, physicochemical variation, residue mobility, and thermodynamic stability) performed at Invitae indicates that this missense variant is expected to disrupt GCDH protein function. In summary, the available evidence is currently insufficient to determine the role of this variant in disease. Therefore, it has been classified as a Variant of Uncertain Significance.